The following is an entry in ClinVar:

ClinVar aggregate classification (germline): Uncertain significance. Review status: criteria provided, multiple submitters, no conflicts (2 of 4 stars). 5 submissions from 5 submitters: Uncertain significance (4). 1 of the submissions does not count toward it. Last evaluated 2023-08-10.

Conditions:
Neuronal ceroid lipofuscinosis 8 northern epilepsy variant. Also called: EPILEPSY, PROGRESSIVE, WITH MENTAL RETARDATION; NORTHERN EPILEPSY. Identifiers: Orphanet 1947, MedGen C1864923, MONDO:0012391, OMIM 610003.
Neuronal ceroid lipofuscinosis 8 (CLN8). Also called: CLN8-Related Neuronal Ceroid-Lipofuscinosis. Identifiers: Orphanet 168491, Orphanet 228354, Orphanet 79264, MedGen C1838570, MONDO:0010830, OMIM 600143.
Neuronal ceroid lipofuscinosis. Also called: Neuronal Ceroid Lipofuscinoses. Identifiers: Orphanet 216, Orphanet 79263, MedGen C0027877, MONDO:0016295. Disease mechanism: loss of function.

Allele frequency attached by ClinVar (database versions not stated): TOPMed 0.00002; ExAC 0.00003; gnomAD 0.00003 and 0.00004; gnomAD exomes 0.00003 and 0.00004.
gnomAD v4.1: 55 of 1,614,128 alleles (0.0034%); highest among the groups gnomAD compares: Admixed American, 0.013%; no homozygotes.

Submissions (5):

GeneDx
Classification: Uncertain significance. Last evaluated: 2023-08-10. Review status: criteria provided, single submitter. Criteria: GeneDx Variant Classification Process June 2021. Collection method: clinical testing. Allele origin: germline. Affected: yes.
Comment: Not observed at significant frequency in large population cohorts (gnomAD); In silico analysis supports that this missense variant does not alter protein structure/function; Has not been previously published as pathogenic or benign to our knowledge

Blueprint Genetics
Classification: Uncertain significance. Last evaluated: 2022-06-13. Review status: criteria provided, single submitter. Criteria: ACMG Guidelines, 2015. Collection method: clinical testing. Allele origin: germline.

Labcorp Genetics (formerly Invitae), Labcorp
Classification: Uncertain significance for Neuronal ceroid lipofuscinosis. Last evaluated: 2022-03-10. Review status: criteria provided, single submitter. Criteria: Invitae Variant Classification Sherloc (09022015). Collection method: clinical testing. Allele origin: germline.
Comment: This sequence change replaces glutamic acid, which is acidic and polar, with lysine, which is basic and polar, at codon 186 of the CLN8 protein (p.Glu186Lys). This variant is present in population databases (rs756636772, gnomAD 0.01%). This variant has not been reported in the literature in individuals affected with CLN8-related conditions. ClinVar contains an entry for this variant (Variation ID: 205191). Advanced modeling of protein sequence and biophysical properties (such as structural, functional, and spatial information, amino acid conservation, physicochemical variation, residue mobility, and thermodynamic stability) performed at Invitae indicates that this missense variant is not expected to disrupt CLN8 protein function. In summary, the available evidence is currently insufficient to determine the role of this variant in disease. Therefore, it has been classified as a Variant of Uncertain Significance.

Fulgent Genetics
Classification: Uncertain significance for Neuronal ceroid lipofuscinosis 8; Neuronal ceroid lipofuscinosis 8 northern epilepsy variant. Last evaluated: 2021-07-11. Review status: criteria provided, single submitter. Criteria: ACMG Guidelines, 2015. Collection method: clinical testing. Allele origin: unknown.

Natera, Inc.
Classification: Uncertain significance for Neuronal ceroid lipofuscinosis 8. Last evaluated: 2020-11-02. Review status: no assertion criteria provided. Collection method: clinical testing. Allele origin: germline. Not counted in ClinVar's aggregate classification.

NM_018941.4(CLN8):c.556G>A (p.Glu186Lys)

Gene: CLN8 (CLN8 transmembrane ER and ERGIC protein; plus strand). Cytogenetic location: 8p23.3.
Variant type: single nucleotide variant.
Coding change: c.556G>A on transcript NM_018941.4 (MANE Select); coding-DNA position 556, G replaced by A.
Protein change: p.Glu186Lys; replaces glutamic acid 186 with lysine.
Molecular consequence: missense variant.
Genome position (GRCh38, 1-based): chr8:1,780,262, G>A. VCF-style: chr8-1780262-G-A. GRCh37 (hg19) VCF-style: chr8-1728428-G-A.
Other names: p.E186K:GAG>AAG; short protein forms E186K.
Identifiers: ClinVar variation 205191 (VCV000205191.11), dbSNP rs756636772, ClinGen allele CA314005.
Genomic context (GRCh38, chr8:1,780,262, plus strand): 5'-TTTTGGCAGTTTCGCATTGACTTGTGCATTTGTCTTCTCTCCATGCAGGCGGGCTGGTCC[G>A]AGTCTCTGTTTTGGAAGCTCAACCAGTGGCTGATGATTCACATGTTTCACTGCCGCATGG-3'
Protein context (NP_061764.2, residues 176-196): SWMLLKAGWS[Glu186Lys]SLFWKLNQWL